The following is an entry in ClinVar:

NM_198578.4(LRRK2):c.3395A>G (p.Lys1132Arg)

Gene: LRRK2 (leucine rich repeat kinase 2; plus strand). Cytogenetic location: 12q12.
Variant type: single nucleotide variant.
Coding change: c.3395A>G on transcript NM_198578.4 (MANE Select); coding-DNA position 3395, A replaced by G.
Protein change: p.Lys1132Arg; replaces lysine 1132 with arginine.
Molecular consequence: missense variant.
Genome position (GRCh38, 1-based): chr12:40,299,156, A>G. VCF-style: chr12-40299156-A-G. GRCh37 (hg19) VCF-style: chr12-40692958-A-G.
Other names: short protein forms K1132R.
Identifiers: ClinVar variation 1730940 (VCV001730940.2), dbSNP rs2499756596, ClinGen allele CA384415608.

ClinVar aggregate classification (germline): Uncertain significance (1 of 4 stars; one submission).

Conditions:
Inborn genetic diseases. Identifiers: MedGen C0950123, MeSH D030342.

Allele frequency attached by ClinVar (database versions not stated): gnomAD exomes below 0.00001.
gnomAD v4.1: 1 of 1,613,548 alleles (0.000062%); highest among the groups gnomAD compares: South Asian, 0.0011%; no homozygotes.

Submission:

Ambry Genetics
Classification: Uncertain significance for Inborn genetic diseases. Last evaluated: 2021-08-21. Review status: criteria provided, single submitter. Criteria: Ambry Variant Classification Scheme 2023. Collection method: clinical testing. Allele origin: germline.
Comment: The p.K1132R variant (also known as c.3395A>G), located in coding exon 25 of the LRRK2 gene, results from an A to G substitution at nucleotide position 3395. The lysine at codon 1132 is replaced by arginine, an amino acid with highly similar properties. This amino acid position is conserved. In addition, this alteration is predicted to be tolerated by in silico analysis. Since supporting evidence is limited at this time, the clinical significance of this alteration remains unclear.